The following is an entry in ClinVar:

NM_000051.4(ATM):c.3021C>G (p.Asp1007Glu)

Gene: ATM (ATM serine/threonine kinase; plus strand). Cytogenetic location: 11q22.3.
Variant type: single nucleotide variant.
Coding change: c.3021C>G on transcript NM_000051.4 (MANE Select); coding-DNA position 3021, C replaced by G.
Protein change: p.Asp1007Glu; replaces aspartic acid 1007 with glutamic acid.
Molecular consequence: missense variant.
Genome position (GRCh38, 1-based): chr11:108,271,350, C>G. VCF-style: chr11-108271350-C-G. GRCh37 (hg19) VCF-style: chr11-108142077-C-G.
Other names: c.3021C>G, p.Asp1007Glu (NM_001351834.2); short protein forms D1007E.
Identifiers: ClinVar variation 852078 (VCV000852078.9), dbSNP rs1591604426, ClinGen allele CA382547483.

ClinVar aggregate classification (germline): Uncertain significance (1 of 4 stars; one submission).

Conditions:
Ataxia-telangiectasia syndrome (AT). Also called: Ataxia-telangiectasia, complementation group E; Cerebello-oculocutaneous telangiectasia; Immunodeficiency with ataxia telangiectasia; Ataxia-telangiectasia, complementation group D; AT, COMPLEMENTATION GROUP C; Ataxia-telangiectasia. Identifiers: Orphanet 100, MedGen C0004135, MONDO:0008840, OMIM 208900.

Submission:

Labcorp Genetics (formerly Invitae), Labcorp
Classification: Uncertain significance for Ataxia-telangiectasia syndrome. Last evaluated: 2022-09-19. Review status: criteria provided, single submitter. Criteria: Invitae Variant Classification Sherloc (09022015). Collection method: clinical testing. Allele origin: germline.
Comment: This variant is not present in population databases (gnomAD no frequency). This sequence change replaces aspartic acid, which is acidic and polar, with glutamic acid, which is acidic and polar, at codon 1007 of the ATM protein (p.Asp1007Glu). This variant has not been reported in the literature in individuals affected with ATM-related conditions. ClinVar contains an entry for this variant (Variation ID: 852078). Algorithms developed to predict the effect of missense changes on protein structure and function (SIFT, PolyPhen-2, Align-GVGD) all suggest that this variant is likely to be tolerated. In summary, the available evidence is currently insufficient to determine the role of this variant in disease. Therefore, it has been classified as a Variant of Uncertain Significance.